The following is an entry in ClinVar:

NM_012330.4(KAT6B):c.3040C>T (p.Gln1014Ter)

Gene: KAT6B (lysine acetyltransferase 6B; plus strand). Cytogenetic location: 10q22.2.
Variant type: single nucleotide variant.
Coding change: c.3040C>T on transcript NM_012330.4 (MANE Select); coding-DNA position 3040, C replaced by T.
Protein change: p.Gln1014Ter; replaces glutamine 1014 with a stop codon.
Molecular consequence: nonsense.
Genome position (GRCh38, 1-based): chr10:75,021,899, C>T. VCF-style: chr10-75021899-C-T. GRCh37 (hg19) VCF-style: chr10-76781657-C-T.
Other names: c.2491C>T, p.Gln831Ter (NM_001256468.2, NM_001370138.1); c.2164C>T, p.Gln722Ter (NM_001256469.2, NM_001370139.1, NM_001370140.1 and 2 more transcripts); c.2002C>T, p.Gln668Ter (NM_001370132.1); c.1351C>T, p.Gln451Ter (NM_001370133.1); c.955C>T, p.Gln319Ter (NM_001370134.1); c.697C>T, p.Gln233Ter (NM_001370135.1); c.3040C>T, p.Gln1014Ter (NM_001370136.1, NM_001370137.1); c.1975C>T, p.Gln659Ter (NM_001370143.1, NM_001370144.1); short protein forms Q1014*, Q233*, Q319*, Q451*, Q659*, Q668*, Q722*, Q831*.
Identifiers: ClinVar variation 1215378 (VCV001215378.5), dbSNP rs2134165472, ClinGen allele CA377283167.
Genomic context (GRCh38, chr10:75,021,899, plus strand): 5'-ACTGCCCTCTCACTGGCCACCATTTTTACCCTCCCCACTTAGGCTGAGCGGCTAATGGAA[C>T]AAGCTAGCTGCTGGGAGAAGGAGGAACAAGAAATCCTGTCAACTAGAGCTAACAGTAGGC-3'

ClinVar aggregate classification (germline): Pathogenic. Review status: criteria provided, multiple submitters, no conflicts (2 of 4 stars). 2 submissions from 2 submitters: Pathogenic (2). Last evaluated 2025-11-29.

Conditions:
Blepharophimosis - intellectual disability syndrome, SBBYS type (SBBYSS). Also called: Say-Barber-Biesecker Variant of Ohdo Syndrome; Say-Barber-Biesecker variant of Ohdo syndrome (SBBYSS); Say-Barber-Biesecker-Young-Simpson syndrome; Say-Barber-Biesecker-Young-Simpson variant of Ohdo Syndrome; Ohdo syndrome, SBBYS variant; SBBYSS syndrome. Identifiers: Orphanet 3047, MedGen C1863557, MONDO:0011365, OMIM 603736.

Submissions (2):

GeneDx
Classification: Pathogenic. Last evaluated: 2025-11-29. Review status: criteria provided, single submitter. Criteria: GeneDx Variant Classification Process June 2021. Collection method: clinical testing. Allele origin: germline. Affected: yes.
Comment: Nonsense variant predicted to result in protein truncation or nonsense mediated decay in a gene for which loss of function is a known mechanism of disease; Not observed at significant frequency in large population cohorts (gnomAD); This variant is associated with the following publications: (PMID: 36453961, 25424711)

Victorian Clinical Genetics Services, Murdoch Childrens Research Institute
Classification: Pathogenic for Blepharophimosis - intellectual disability syndrome, SBBYS type. Last evaluated: 2023-07-17. Review status: criteria provided, single submitter. Criteria: ACMG Guidelines, 2015. Collection method: clinical testing. Allele origin: germline. Inheritance: Autosomal dominant inheritance. Affected: yes.
Comment: Based on the classification scheme VCGS_Germline_v1.3.4, this variant is classified as Pathogenic. Following criteria are met: 0103 - Loss of function and gain of function are proposed mechanisms of disease in this gene and are associated with Say-Barber-Biesecker-Young-Simpson syndrome (SBBYSS; MIM#603736) and genitopatellar syndrome (GPS; MIM#606170), respectively (PMID: 22715153). (I) 0107 - This gene is associated with autosomal dominant disease. GPS is associated with variants in the 5' portion of the final exon, while SBBYSS is associated with variants in the remainder of the gene (PMID: 32424177). (I) 0201 - Variant is predicted to cause nonsense-mediated decay (NMD) and loss of protein (premature termination codon is located at least 54 nucleotides upstream of the final exon-exon junction). (SP) 0251 - This variant is heterozygous. (I) 0301 - Variant is absent from gnomAD (both v2 and v3). (SP) 0701 - Other NMD-predicted variants comparable to the one identified in this case have very strong previous evidence for pathogenicity (DECIPHER, PMID: 32424177). (SP) 0802 - This variant has moderate previous evidence of pathogenicity in unrelated individuals. This variant has been reported as pathogenic and observed as de novo in a single individual with SBBYSS (ClinVar, PMID: 25424711). (SP) Legend: (SP) - Supporting pathogenic, (I) - Information, (SB) - Supporting benign

Literature cited by the submitters: PubMed 22715153 (cited by Victorian Clinical Genetics Services, Murdoch Childrens Research Institute); PubMed 25424711 (cited by Victorian Clinical Genetics Services, Murdoch Childrens Research Institute); PubMed 32424177 (cited by Victorian Clinical Genetics Services, Murdoch Childrens Research Institute).